The following is an entry in ClinVar:

ClinVar aggregate classification (germline): Uncertain significance (1 of 4 stars; one submission).

Conditions:
Progressive myoclonic epilepsy. Also called: Familial progressive myoclonic epilepsy; Myoclonic Epilepsies, Progressive; Myoclonus epilepsy; Progressive myoclonus epilepsy. Identifiers: Orphanet 308, Orphanet 98261, MedGen C0751778, MONDO:0020074.

gnomAD v4.1: 5 of 1,533,772 alleles (0.00033%); highest among the groups gnomAD compares: African/African-American, 0.0014%; no homozygotes.

Submission:

Labcorp Genetics (formerly Invitae), Labcorp
Classification: Uncertain significance for Progressive myoclonic epilepsy. Last evaluated: 2021-11-11. Review status: criteria provided, single submitter. Criteria: Invitae Variant Classification Sherloc (09022015). Collection method: clinical testing. Allele origin: germline.
Comment: This sequence change replaces threonine, which is neutral and polar, with methionine, which is neutral and non-polar, at codon 83 of the EPM2A protein (p.Thr83Met). In summary, the available evidence is currently insufficient to determine the role of this variant in disease. Therefore, it has been classified as a Variant of Uncertain Significance. Algorithms developed to predict the effect of missense changes on protein structure and function (SIFT, PolyPhen-2, Align-GVGD) all suggest that this variant is likely to be tolerated. This variant has not been reported in the literature in individuals affected with EPM2A-related conditions. The frequency data for this variant in the population databases is considered unreliable, as metrics indicate poor data quality at this position in the gnomAD database.

NM_005670.4(EPM2A):c.248C>T (p.Thr83Met)

Genes: EPM2A (EPM2A glucan phosphatase, laforin; minus strand), EPM2A-DT (EPM2A divergent transcript; plus strand), LOC129997381 (ATAC-STARR-seq lymphoblastoid silent region 17642; plus strand). Cytogenetic location: 6q24.3.
Variant type: single nucleotide variant.
Coding change: c.248C>T on transcript NM_005670.4 (MANE Select); coding-DNA position 248, C replaced by T.
Protein change: p.Thr83Met; replaces threonine 83 with methionine.
Molecular consequence: missense variant. On other transcripts: 5 prime UTR variant (3), intron variant (1).
Genome position (GRCh38, 1-based): chr6:145,735,251, G>A on the plus strand (C>T on the coding strand, the complement: EPM2A is on the minus strand). VCF-style: chr6-145735251-G-A. GRCh37 (hg19) VCF-style: chr6-146056387-G-A.
Other names: c.248C>T, p.Thr83Met (NM_001018041.2, NM_001360057.2, NM_001368130.1); c.-422C>T (NM_001360071.2); c.-376C>T (NM_001368129.2); c.-120C>T (NM_001368131.1); c.-114+657C>T (NM_001360064.2); short protein forms T83M.
Identifiers: ClinVar variation 1389870 (VCV001389870.6), dbSNP rs780634800, ClinGen allele CA366187950.